The following is an entry in ClinVar:

NM_001256317.3(TMPRSS3):c.581G>A (p.Cys194Tyr)

Gene: TMPRSS3 (transmembrane serine protease 3; minus strand). Cytogenetic location: 21q22.3.
Variant type: single nucleotide variant.
Coding change: c.581G>A on transcript NM_001256317.3 (MANE Select); coding-DNA position 581, G replaced by A.
Protein change: p.Cys194Tyr; replaces cysteine 194 with tyrosine.
Molecular consequence: missense variant.
Genome position (GRCh38, 1-based): chr21:42,384,005, C>T on the plus strand (G>A on the coding strand, the complement: TMPRSS3 is on the minus strand). VCF-style: chr21-42384005-C-T. GRCh37 (hg19) VCF-style: chr21-43804114-C-T.
Other names: c.581G>A, p.Cys194Tyr (NM_024022.4, NM_032405.2); c.200G>A, p.Cys67Tyr (NM_032404.3); short protein forms C194Y, C67Y.
Identifiers: ClinVar variation 3907609 (VCV003907609.1).

ClinVar aggregate classification (germline): Uncertain significance (1 of 4 stars; one submission).

Submission:

Women's Health and Genetics/Laboratory Corporation of America, LabCorp
Classification: Uncertain significance. Last evaluated: 2025-06-20. Review status: criteria provided, single submitter. Criteria: LabCorp Variant Classification Summary - May 2015. Collection method: clinical testing. Allele origin: germline.
Comment: Variant summary: TMPRSS3 c.581G>A (p.Cys194Tyr) results in a non-conservative amino acid change in the encoded protein sequence. Algorithms developed to predict the effect of missense changes on protein structure and function all suggest that this variant is likely to be disruptive. The variant was absent in 251220 control chromosomes (gnomAD). The available data on variant occurrences in the general population are insufficient to allow any conclusion about variant significance. To our knowledge, no occurrence of c.581G>A in individuals affected with Deafness, Autosomal Recessive 8 and no experimental evidence demonstrating its impact on protein function have been reported. No submitters have cited clinical-significance assessments for this variant to ClinVar. Based on the evidence outlined above, the variant was classified as uncertain significance.